The following is an entry in ClinVar:

NM_000540.3(RYR1):c.7550T>C (p.Phe2517Ser)

Gene: RYR1 (ryanodine receptor 1; plus strand). Cytogenetic location: 19q13.2.
Variant type: single nucleotide variant.
Coding change: c.7550T>C on transcript NM_000540.3 (MANE Select); coding-DNA position 7550, T replaced by C.
Protein change: p.Phe2517Ser; replaces phenylalanine 2517 with serine.
Molecular consequence: missense variant.
Genome position (GRCh38, 1-based): chr19:38,500,926, T>C. VCF-style: chr19-38500926-T-C. GRCh37 (hg19) VCF-style: chr19-38991566-T-C.
Other names: c.7550T>C, p.Phe2517Ser (NM_001042723.2); short protein forms F2517S.
Identifiers: ClinVar variation 5017914 (VCV005017914.1).

ClinVar aggregate classification (germline): Uncertain significance (1 of 4 stars; one submission).

Submission:

GeneDx
Classification: Uncertain significance. Last evaluated: 2026-03-30. Review status: criteria provided, single submitter. Criteria: GeneDx Variant Classification Process June 2021. Collection method: clinical testing. Allele origin: germline.
Comment: Not observed at significant frequency in large population cohorts (gnomAD); In silico analysis supports that this missense variant has a deleterious effect on protein structure/function; Has not been previously published as pathogenic or benign to our knowledge